The following is an entry in ClinVar:

NM_017988.6(SCYL2):c.1629C>T (p.Leu543=)

Gene: SCYL2 (SCY1 like pseudokinase 2; plus strand). Cytogenetic location: 12q23.1.
Variant type: single nucleotide variant.
Coding change: c.1629C>T on transcript NM_017988.6 (MANE Select); coding-DNA position 1629, C replaced by T.
Protein change: p.Leu543=; no amino-acid change (leucine 543 retained).
Molecular consequence: synonymous variant.
Genome position (GRCh38, 1-based): chr12:100,326,741, C>T. VCF-style: chr12-100326741-C-T. GRCh37 (hg19) VCF-style: chr12-100720519-C-T.
Other names: c.1629C>T, p.Leu543= (NM_001317784.2); c.1641C>T, p.Leu547= (NM_001330253.2, NM_001330254.2); c.1122C>T, p.Leu374= (NM_001330256.2).
Identifiers: ClinVar variation 3049145 (VCV003049145.2), dbSNP rs1037242621, ClinGen allele CA242333763.

ClinVar aggregate classification (germline): Likely benign (0 of 4 stars; one submission).

Conditions:
SCYL2-related disorder. Also called: SCYL2-related condition.

Allele frequency attached by ClinVar (database versions not stated): gnomAD exomes 0.00001.
gnomAD v4.1: 4 of 1,607,132 alleles (0.00025%); highest among the groups gnomAD compares: Admixed American, 0.0034%; no homozygotes.

Submission:

PreventionGenetics, part of Exact Sciences
Classification: Likely benign for SCYL2-related condition. Last evaluated: 2023-01-19. Review status: no assertion criteria provided. Collection method: clinical testing. Allele origin: germline.
Comment: This variant is classified as likely benign based on ACMG/AMP sequence variant interpretation guidelines (Richards et al. 2015 PMID: 25741868, with internal and published modifications).